The following is an entry in ClinVar:

NM_003072.5(SMARCA4):c.1110C>T (p.Arg370=)

Gene: SMARCA4 (SWI/SNF related BAF chromatin remodeling complex subunit ATPase 4; plus strand). Cytogenetic location: 19p13.2.
Variant type: single nucleotide variant.
Coding change: c.1110C>T on transcript NM_003072.5 (MANE Select); coding-DNA position 1110, C replaced by T.
Protein change: p.Arg370=; no amino-acid change (arginine 370 retained).
Molecular consequence: synonymous variant. On other transcripts: non-coding transcript variant (1).
Genome position (GRCh38, 1-based): chr19:10,987,916, C>T. VCF-style: chr19-10987916-C-T. GRCh37 (hg19) VCF-style: chr19-11098592-C-T.
Other names: c.1110C>T, p.Arg370= (NM_001128844.3, NM_001128845.2, NM_001128846.2 and 5 more transcripts).
Identifiers: ClinVar variation 408605 (VCV000408605.18), dbSNP rs754575023, ClinGen allele CA9203675.

ClinVar aggregate classification (germline): Likely benign. Review status: criteria provided, multiple submitters, no conflicts (2 of 4 stars). 3 submissions from 3 submitters: Likely benign (3). Last evaluated 2026-02-08.

Conditions:
SMARCA4-related disorder. Also called: SMARCA4-related condition.
Hereditary cancer-predisposing syndrome. Also called: Neoplastic Syndromes, Hereditary; Tumor predisposition; Hereditary Cancer Syndrome; Hereditary neoplastic syndrome. Identifiers: Orphanet 140162, MedGen C0027672, MeSH D009386, MONDO:0015356.
Rhabdoid tumor predisposition syndrome 2 (RTPS2). Identifiers: Orphanet 231108, Orphanet 69077, MedGen C2750074, MONDO:0013224, OMIM 613325.

Allele frequency attached by ClinVar (database versions not stated): TOPMed 0.00001; ExAC 0.00002; gnomAD exomes 0.00002.
gnomAD v4.1: 33 of 1,612,676 alleles (0.002%); highest among the groups gnomAD compares: South Asian, 0.0066%; no homozygotes.

Submissions (4):

PreventionGenetics, part of Exact Sciences
Classification: Likely benign for SMARCA4-related condition. Last evaluated: 2026-02-08. Review status: criteria provided, single submitter. Criteria: ACMG Guidelines, 2015. Collection method: clinical testing. Allele origin: germline.
Comment: This variant is classified as likely benign based on ACMG/AMP sequence variant interpretation guidelines (Richards et al. 2015 PMID: 25741868, with internal and published modifications).

Labcorp Genetics (formerly Invitae), Labcorp
Classification: Likely benign for Rhabdoid tumor predisposition syndrome 2. Last evaluated: 2025-12-21. Review status: criteria provided, single submitter. Criteria: Invitae Variant Classification Sherloc (09022015). Collection method: clinical testing. Allele origin: germline.

Ambry Genetics
Classification: Likely benign for Hereditary cancer-predisposing syndrome. Last evaluated: 2015-10-16. Review status: criteria provided, single submitter. Criteria: Ambry Variant Classification Scheme 2023. Collection method: clinical testing. Allele origin: germline.

Dr. Peter K. Rogan Lab, Western University
No classification provided (evidence only). Condition: Glioma susceptibility 1. Review status: no classification provided. Collection method: in vitro. Allele origin: not applicable. Functional consequence: retained intron. Not counted in ClinVar's aggregate classification.